The following is an entry in ClinVar:

ClinVar aggregate classification (germline): Uncertain significance (1 of 4 stars; one submission).

Submission:

GeneDx
Classification: Uncertain significance. Last evaluated: 2025-02-24. Review status: criteria provided, single submitter. Criteria: GeneDx Variant Classification Process June 2021. Collection method: clinical testing. Allele origin: germline. Affected: yes.
Comment: Not observed at significant frequency in large population cohorts (gnomAD); In silico analysis indicates that this missense variant does not alter protein structure/function; Has not been previously published as pathogenic or benign to our knowledge

NM_001394062.1(MACF1):c.17114T>A (p.Phe5705Tyr)

Gene: MACF1 (microtubule actin crosslinking factor 1; plus strand). Cytogenetic location: 1p34.3.
Variant type: single nucleotide variant.
Coding change: c.17114T>A on transcript NM_001394062.1 (MANE Select); coding-DNA position 17114, T replaced by A.
Protein change: p.Phe5705Tyr; replaces phenylalanine 5705 with tyrosine.
Molecular consequence: missense variant.
Genome position (GRCh38, 1-based): chr1:39,430,052, T>A. VCF-style: chr1-39430052-T-A. GRCh37 (hg19) VCF-style: chr1-39895724-T-A.
Other names: c.5183T>A, p.Phe1728Tyr (NM_001397473.1); c.10928T>A, p.Phe3643Tyr (NM_012090.5); short protein forms F1728Y, F3643Y, F5705Y.
Identifiers: ClinVar variation 4076532 (VCV004076532.1).